The following is an entry in ClinVar:

ClinVar aggregate classification (germline): Uncertain significance (1 of 4 stars; one submission).

Submission:

Labcorp Genetics (formerly Invitae), Labcorp
Classification: Uncertain significance. Last evaluated: 2025-11-20. Review status: criteria provided, single submitter. Criteria: Invitae Variant Classification Sherloc (09022015). Collection method: clinical testing. Allele origin: germline.
Comment: This sequence change replaces tyrosine, which is neutral and polar, with aspartic acid, which is acidic and polar, at codon 804 of the SLC12A6 protein (p.Tyr804Asp). This variant is not present in population databases (gnomAD no frequency). This variant has not been reported in the literature in individuals affected with SLC12A6-related conditions. Invitae Evidence Modeling of protein sequence and biophysical properties (such as structural, functional, and spatial information, amino acid conservation, physicochemical variation, residue mobility, and thermodynamic stability) indicates that this missense variant is not expected to disrupt SLC12A6 protein function with a negative predictive value of 80%. In summary, the available evidence is currently insufficient to determine the role of this variant in disease. Therefore, it has been classified as a Variant of Uncertain Significance.

NM_001365088.1(SLC12A6):c.2410T>G (p.Tyr804Asp)

Gene: SLC12A6 (solute carrier family 12 member 6; minus strand). Cytogenetic location: 15q14.
Variant type: single nucleotide variant.
Coding change: c.2410T>G on transcript NM_001365088.1 (MANE Select); coding-DNA position 2410, T replaced by G.
Protein change: p.Tyr804Asp; replaces tyrosine 804 with aspartic acid.
Molecular consequence: missense variant.
Genome position (GRCh38, 1-based): chr15:34,240,687, A>C on the plus strand (T>G on the coding strand, the complement: SLC12A6 is on the minus strand). VCF-style: chr15-34240687-A-C. GRCh37 (hg19) VCF-style: chr15-34532888-A-C.
Other names: c.2410T>G, p.Tyr804Asp (NM_133647.2); c.2233T>G, p.Tyr745Asp (NM_001042494.2, NM_001042495.2); c.2383T>G, p.Tyr795Asp (NM_001042496.2); c.2365T>G, p.Tyr789Asp (NM_001042497.2); c.2257T>G, p.Tyr753Asp (NM_005135.2); short protein forms Y753D, Y789D, Y804D, Y745D, Y795D.
Identifiers: ClinVar variation 4707615 (VCV004707615.1).